The following is an entry in ClinVar:

NM_017514.5(PLXNA3):c.841G>A (p.Gly281Ser)

Gene: PLXNA3 (plexin A3; plus strand). Cytogenetic location: Xq28.
Variant type: single nucleotide variant.
Coding change: c.841G>A on transcript NM_017514.5 (MANE Select); coding-DNA position 841, G replaced by A.
Protein change: p.Gly281Ser; replaces glycine 281 with serine.
Molecular consequence: missense variant.
Genome position (GRCh38, 1-based): chrX:154,461,345, G>A. VCF-style: chrX-154461345-G-A. GRCh37 (hg19) VCF-style: chrX-153689685-G-A.
Other names: short protein forms G281S.
Identifiers: ClinVar variation 2661827 (VCV002661827.24), dbSNP rs782347596, ClinGen allele CA10563828.

ClinVar aggregate classification (germline): Likely benign. Review status: criteria provided, single submitter (1 of 4 stars). 2 submissions from 2 submitters: Likely benign (1). 1 of the submissions does not count toward it. Last evaluated 2023-02-01.

Conditions:
PLXNA3-related disorder. Also called: PLXNA3-related condition.

Allele frequency attached by ClinVar (database versions not stated): ExAC 0.00001; TOPMed 0.00002; gnomAD 0.00003.
gnomAD v4.1: 28 of 1,211,257 alleles (0.0023%); highest among the groups gnomAD compares: South Asian, 0.016%; no homozygotes.

Submissions (2):

CeGaT Center for Human Genetics Tuebingen
Classification: Likely benign. Last evaluated: 2023-02-01. Review status: criteria provided, single submitter. Criteria: CeGaT Center For Human Genetics Tuebingen Variant Classification Criteria Version 2. Collection method: clinical testing. Allele origin: germline. Affected: yes. Observed: 1 variant allele.
Comment: PLXNA3: BS2

PreventionGenetics, part of Exact Sciences
Classification: Uncertain significance for PLXNA3-related condition. Last evaluated: 2024-02-07. Review status: no assertion criteria provided. Collection method: clinical testing. Allele origin: germline. Not counted in ClinVar's aggregate classification.
Comment: The PLXNA3 c.841G>A variant is predicted to result in the amino acid substitution p.Gly281Ser. To our knowledge, this variant has not been reported in the literature. This variant is reported in 0.010% of alleles in individuals of South Asian descent in gnomAD. At this time, the clinical significance of this variant is uncertain due to the absence of conclusive functional and genetic evidence.